The following is an entry in ClinVar:

NM_032242.4(PLXNA1):c.3088A>T (p.Ile1030Phe)

Gene: PLXNA1 (plexin A1; plus strand). Cytogenetic location: 3q21.3.
Variant type: single nucleotide variant.
Coding change: c.3088A>T on transcript NM_032242.4 (MANE Select); coding-DNA position 3088, A replaced by T.
Protein change: p.Ile1030Phe; replaces isoleucine 1030 with phenylalanine.
Molecular consequence: missense variant.
Genome position (GRCh38, 1-based): chr3:127,016,590, A>T. VCF-style: chr3-127016590-A-T. GRCh37 (hg19) VCF-style: chr3-126735433-A-T.
Other names: short protein forms I1030F.
Identifiers: ClinVar variation 3354113 (VCV003354113.1).

ClinVar aggregate classification (germline): Uncertain significance (0 of 4 stars; one submission).

Conditions:
PLXNA1-related disorder. Also called: PLXNA1-related condition.

gnomAD v4.1: 5 of 1,613,416 alleles (0.00031%); highest among the groups gnomAD compares: African/African-American, 0.0067%; no homozygotes.

Submission:

PreventionGenetics, part of Exact Sciences
Classification: Uncertain significance for PLXNA1-related condition. Last evaluated: 2024-08-06. Review status: no assertion criteria provided. Collection method: clinical testing. Allele origin: germline.
Comment: The PLXNA1 c.3088A>T variant is predicted to result in the amino acid substitution p.Ile1030Phe. To our knowledge, this variant has not been reported in the literature. This variant is reported in 0.024% of alleles in individuals of African descent in gnomAD. At this time, the clinical significance of this variant is uncertain due to the absence of conclusive functional and genetic evidence.